The following is an entry in ClinVar:

ClinVar aggregate classification (germline): Uncertain significance (1 of 4 stars; one submission).

Submission:

GeneDx
Classification: Uncertain significance. Last evaluated: 2025-04-15. Review status: criteria provided, single submitter. Criteria: GeneDx Variant Classification Process June 2021. Collection method: clinical testing. Allele origin: germline. Affected: yes.
Comment: Not observed at significant frequency in large population cohorts (gnomAD); In silico analysis indicates that this missense variant does not alter protein structure/function; Has not been previously published as pathogenic or benign to our knowledge

NM_000875.5(IGF1R):c.43G>T (p.Gly15Trp)

Genes: IGF1R (insulin like growth factor 1 receptor; plus strand), IRAIN (IGF1R antisense imprinted non-protein coding RNA; minus strand). Cytogenetic location: 15q26.3.
Variant type: single nucleotide variant.
Coding change: c.43G>T on transcript NM_000875.5 (MANE Select); coding-DNA position 43, G replaced by T.
Protein change: p.Gly15Trp; replaces glycine 15 with tryptophan.
Molecular consequence: missense variant. On other transcripts: non-coding transcript variant (1).
Genome position (GRCh38, 1-based): chr15:98,649,624, G>T. VCF-style: chr15-98649624-G-T. GRCh37 (hg19) VCF-style: chr15-99192853-G-T.
Other names: c.43G>T, p.Gly15Trp (NM_001291858.2); short protein forms G15W.
Identifiers: ClinVar variation 4282276 (VCV004282276.1).